The following is an entry in ClinVar:

ClinVar aggregate classification (germline): Uncertain significance (1 of 4 stars; one submission).

Submission:

GeneDx
Classification: Uncertain significance. Last evaluated: 2026-04-15. Review status: criteria provided, single submitter. Criteria: GeneDx Variant Classification Process June 2021. Collection method: clinical testing. Allele origin: germline.
Comment: Not observed at significant frequency in large population cohorts (gnomAD); In silico analysis suggests that this missense variant does not alter protein structure/function; Has not been previously published as pathogenic or benign to our knowledge

NM_152424.4(AMER1):c.1773G>T (p.Arg591Ser)

Gene: AMER1 (APC membrane recruitment protein 1; minus strand). Cytogenetic location: Xq11.2.
Variant type: single nucleotide variant.
Coding change: c.1773G>T on transcript NM_152424.4 (MANE Select); coding-DNA position 1773, G replaced by T.
Protein change: p.Arg591Ser; replaces arginine 591 with serine.
Molecular consequence: missense variant.
Genome position (GRCh38, 1-based): chrX:64,191,514, C>A on the plus strand (G>T on the coding strand, the complement: AMER1 is on the minus strand). VCF-style: chrX-64191514-C-A. GRCh37 (hg19) VCF-style: chrX-63411394-C-A.
Other names: short protein forms R591S.
Identifiers: ClinVar variation 3906328 (VCV003906328.2).